The following is an entry in ClinVar:

NM_014415.4(ZBTB11):c.2191+1G>A

Gene: ZBTB11 (zinc finger and BTB domain containing 11; minus strand). Cytogenetic location: 3q12.3.
Variant type: single nucleotide variant.
Coding change: c.2191+1G>A on transcript NM_014415.4 (MANE Select); the canonical splice donor site of the intron after coding-DNA position 2191, G replaced by A.
Molecular consequence: splice donor variant.
Genome position (GRCh38, 1-based): chr3:101,656,103, C>T on the plus strand (G>A on the coding strand, the complement: ZBTB11 is on the minus strand). VCF-style: chr3-101656103-C-T. GRCh37 (hg19) VCF-style: chr3-101374947-C-T.
Identifiers: ClinVar variation 3361150 (VCV003361150.1).

ClinVar aggregate classification (germline): Uncertain significance (1 of 4 stars; one submission).

Submission:

GeneDx
Classification: Uncertain significance. Last evaluated: 2023-07-24. Review status: criteria provided, single submitter. Criteria: GeneDx Variant Classification Process June 2021. Collection method: clinical testing. Allele origin: germline. Affected: yes.
Comment: Not observed at significant frequency in large population cohorts (gnomAD); Canonical splice site variant in a gene or region of a gene for which loss of function is not a known mechanism of disease; Has not been previously published as pathogenic or benign to our knowledge